The following is an entry in ClinVar:

ClinVar aggregate classification (germline): Pathogenic. Review status: criteria provided, multiple submitters, no conflicts (2 of 4 stars). 2 submissions from 2 submitters: Pathogenic (2). Last evaluated 2025-03-06.

Conditions:
CHD7-related CHARGE syndrome. Identifiers: MedGen CN380413, MONDO:1010178, OMIM 214800.

Submissions (2):

Variantyx, Inc.
Classification: Pathogenic for CHD7-related CHARGE syndrome. Last evaluated: 2025-03-06. Review status: criteria provided, single submitter. Criteria: Variantyx Assertion Criteria 2022. Collection method: clinical testing. Allele origin: de novo. Affected: yes.
Comment: This is a nonsense variant in the CHD7 gene (OMIM: 608892). Pathogenic variants in this gene have been associated with autosomal dominant CHARGE syndrome. This variant likely occurred de novo in one or more of the following: the current proband, individual(s) from the published literature or previous internal cases; however, the possibility of parental germline mosaicism cannot be excluded (PS2). This variant introduces a premature termination codon in exon 2 out of 38. It is expected to result in loss of function, which is a known disease mechanism for CHD7 in this disorder (PMID: 22461308, 25077900, 21158681, 16400610, 19248844) (PVS1). This variant has been reported in at least 1 affected individual(s) (PMID: 16615981) (PS4_Supporting). This variant is absent from control populations (PM2_Supporting). Based on the current evidence, this variant is classified as pathogenic for autosomal dominant CHARGE syndrome.

GeneDx
Classification: Pathogenic. Last evaluated: 2024-01-08. Review status: criteria provided, single submitter. Criteria: GeneDx Variant Classification Process June 2021. Collection method: clinical testing. Allele origin: germline. Affected: yes.
Comment: Nonsense variant predicted to result in protein truncation or nonsense mediated decay in a gene for which loss of function is a known mechanism of disease; Not observed at significant frequency in large population cohorts (gnomAD); This variant is associated with the following publications: (PMID: 18089695, 19112063, 16615981, 36368352)

NM_017780.4(CHD7):c.550C>T (p.Gln184Ter)

Gene: CHD7 (chromodomain helicase DNA binding protein 7; plus strand). Cytogenetic location: 8q12.2.
Variant type: single nucleotide variant.
Coding change: c.550C>T on transcript NM_017780.4 (MANE Select); coding-DNA position 550, C replaced by T.
Protein change: p.Gln184Ter; replaces glutamine 184 with a stop codon.
Molecular consequence: nonsense.
Genome position (GRCh38, 1-based): chr8:60,741,982, C>T. VCF-style: chr8-60741982-C-T. GRCh37 (hg19) VCF-style: chr8-61654541-C-T.
Other names: c.550C>T (LRG_176t1); c.550C>T, p.Gln184Ter (NM_001316690.1); short protein forms Q184*.
Identifiers: ClinVar variation 265403 (VCV000265403.4), dbSNP rs886039526, ClinGen allele CA10588457.
Genomic context (GRCh38, chr8:60,741,982, plus strand): 5'-CAGCCACAGCCGCAGCCACCGCAGCCGGCTCCGTCGGGGCCCCCTGCACAGGGCCACCCT[C>T]AGCACATGCAGCAGATGGGCAGCTATATGGCACGTGGGGATTTTTCCATGCAGCAGCATG-3'